The following is an entry in ClinVar:

NM_005654.6(NR2F1):c.1118G>A (p.Arg373Gln)

Gene: NR2F1 (nuclear receptor subfamily 2 group F member 1; plus strand). Cytogenetic location: 5q15.
Variant type: single nucleotide variant.
Coding change: c.1118G>A on transcript NM_005654.6 (MANE Select); coding-DNA position 1118, G replaced by A.
Protein change: p.Arg373Gln; replaces arginine 373 with glutamine.
Molecular consequence: missense variant.
Genome position (GRCh38, 1-based): chr5:93,593,688, G>A. VCF-style: chr5-93593688-G-A. GRCh37 (hg19) VCF-style: chr5-92929394-G-A.
Other names: short protein forms R373Q.
Identifiers: ClinVar variation 1311798 (VCV001311798.2), dbSNP rs2149946068, ClinGen allele CA360527836.

ClinVar aggregate classification (germline): Uncertain significance (1 of 4 stars; one submission).

gnomAD v4.1: 1 of 1,614,184 alleles (0.000062%); highest among the groups gnomAD compares: Non-Finnish European, 0.000085%; no homozygotes.

Submission:

GeneDx
Classification: Uncertain significance. Last evaluated: 2020-01-24. Review status: criteria provided, single submitter. Criteria: GeneDx Variant Classification Process June 2021. Collection method: clinical testing. Allele origin: germline. Affected: yes.
Comment: Has not been previously published as pathogenic or benign to our knowledge; Not observed in large population cohorts (Lek et al., 2016); In silico analysis, which includes protein predictors and evolutionary conservation, supports a deleterious effect